The following is an entry in ClinVar:

NM_005188.4(CBL):c.2270C>T (p.Ala757Val)

Gene: CBL (Cbl proto-oncogene; plus strand). Cytogenetic location: 11q23.3.
Variant type: single nucleotide variant.
Coding change: c.2270C>T on transcript NM_005188.4 (MANE Select); coding-DNA position 2270, C replaced by T.
Protein change: p.Ala757Val; replaces alanine 757 with valine.
Molecular consequence: missense variant.
Genome position (GRCh38, 1-based): chr11:119,298,376, C>T. VCF-style: chr11-119298376-C-T. GRCh37 (hg19) VCF-style: chr11-119169086-C-T.
Other names: c.2270C>T (NM_005188.2); short protein forms A757V.
Identifiers: ClinVar variation 1497316 (VCV001497316.9), dbSNP rs1489560722, ClinGen allele CA382929007.

ClinVar aggregate classification (germline): Uncertain significance. Review status: criteria provided, multiple submitters, no conflicts (2 of 4 stars). 2 submissions from 2 submitters: Uncertain significance (2). Last evaluated 2025-04-17.

Conditions:
RASopathy. Also called: rasopathies; Noonan spectrum disorder. Identifiers: Orphanet 536391, MedGen C5555857, MONDO:0021060.
Cardiovascular phenotype. Identifiers: MedGen CN230736.

Allele frequency attached by ClinVar (database versions not stated): gnomAD exomes below 0.00001 and 0.00001; TOPMed below 0.00001.
gnomAD v4.1: 9 of 1,614,160 alleles (0.00056%); highest among the groups gnomAD compares: South Asian, 0.0088%; no homozygotes.

Submissions (2):

Labcorp Genetics (formerly Invitae), Labcorp
Classification: Uncertain significance for RASopathy. Last evaluated: 2025-04-17. Review status: criteria provided, single submitter. Criteria: Invitae Variant Classification Sherloc (09022015). Collection method: clinical testing. Allele origin: germline.
Comment: This sequence change replaces alanine, which is neutral and non-polar, with valine, which is neutral and non-polar, at codon 757 of the CBL protein (p.Ala757Val). This variant is present in population databases (no rsID available, gnomAD 0.003%). This variant has not been reported in the literature in individuals affected with CBL-related conditions. ClinVar contains an entry for this variant (Variation ID: 1497316). Invitae Evidence Modeling of protein sequence and biophysical properties (such as structural, functional, and spatial information, amino acid conservation, physicochemical variation, residue mobility, and thermodynamic stability) indicates that this missense variant is not expected to disrupt CBL protein function with a negative predictive value of 95%. In summary, the available evidence is currently insufficient to determine the role of this variant in disease. Therefore, it has been classified as a Variant of Uncertain Significance.

Ambry Genetics
Classification: Uncertain significance for Cardiovascular phenotype. Last evaluated: 2025-04-11. Review status: criteria provided, single submitter. Criteria: Ambry Variant Classification Scheme 2023. Collection method: clinical testing. Allele origin: germline.
Comment: The p.A757V variant (also known as c.2270C>T), located in coding exon 15 of the CBL gene, results from a C to T substitution at nucleotide position 2270. The alanine at codon 757 is replaced by valine, an amino acid with similar properties. This amino acid position is conserved. In addition, this alteration is predicted to be tolerated by in silico analysis. Based on the available evidence, the clinical significance of this variant remains unclear.